The following is an entry in ClinVar:

ClinVar aggregate classification (germline): Uncertain significance. Review status: criteria provided, multiple submitters, no conflicts (2 of 4 stars). 2 submissions from 2 submitters: Uncertain significance (2). Last evaluated 2023-09-28.

Allele frequency attached by ClinVar (database versions not stated): gnomAD exomes 0.00002; 1000 Genomes Project 30x 0.00016; TOPMed 0.00020; gnomAD 0.00021 and 0.00022.
gnomAD v4.1: 59 of 1,440,924 alleles (0.0041%); highest among the groups gnomAD compares: African/African-American, 0.08%; no homozygotes.

Submissions (2):

Blueprint Genetics
Classification: Uncertain significance. Last evaluated: 2023-09-28. Review status: criteria provided, single submitter. Criteria: ACMG Guidelines, 2015. Collection method: clinical testing. Allele origin: germline.

Labcorp Genetics (formerly Invitae), Labcorp
Classification: Uncertain significance. Last evaluated: 2022-10-04. Review status: criteria provided, single submitter. Criteria: Invitae Variant Classification Sherloc (09022015). Collection method: clinical testing. Allele origin: germline.
Comment: This sequence change replaces phenylalanine, which is neutral and non-polar, with valine, which is neutral and non-polar, at codon 27 of the ECHS1 protein (p.Phe27Val). This variant is present in population databases (no rsID available, gnomAD 0.07%). This missense change has been observed in individual(s) with short-chain enoyl-CoA hydratase deficiency (PMID: 29923089). ClinVar contains an entry for this variant (Variation ID: 1511505). Algorithms developed to predict the effect of missense changes on protein structure and function (SIFT, PolyPhen-2, Align-GVGD) all suggest that this variant is likely to be tolerated. In summary, the available evidence is currently insufficient to determine the role of this variant in disease. Therefore, it has been classified as a Variant of Uncertain Significance.

Literature cited by the submitters: PubMed 29923089 (cited by Labcorp Genetics (formerly Invitae), Labcorp).

NM_004092.4(ECHS1):c.79T>G (p.Phe27Val)

Genes: ECHS1 (enoyl-CoA hydratase, short chain 1; minus strand), LOC130005023 (ATAC-STARR-seq lymphoblastoid silent region 2977; plus strand). Cytogenetic location: 10q26.3.
Variant type: single nucleotide variant.
Coding change: c.79T>G on transcript NM_004092.4 (MANE Select); coding-DNA position 79, T replaced by G.
Protein change: p.Phe27Val; replaces phenylalanine 27 with valine.
Molecular consequence: missense variant.
Genome position (GRCh38, 1-based): chr10:133,373,255, A>C on the plus strand (T>G on the coding strand, the complement: ECHS1 is on the minus strand). VCF-style: chr10-133373255-A-C. GRCh37 (hg19) VCF-style: chr10-135186759-A-C.
Other names: short protein forms F27V.
Identifiers: ClinVar variation 1511505 (VCV001511505.4), dbSNP rs900684601, ClinGen allele CA216820840.